The following is an entry in ClinVar:

NM_000548.5(TSC2):c.2220+12G>A

Gene: TSC2 (TSC complex subunit 2; plus strand). Cytogenetic location: 16p13.3.
Variant type: single nucleotide variant.
Coding change: c.2220+12G>A on transcript NM_000548.5 (MANE Select); 12 bases into the intron after coding-DNA position 2220, G replaced by A.
Molecular consequence: intron variant.
Genome position (GRCh38, 1-based): chr16:2,072,375, G>A. VCF-style: chr16-2072375-G-A. GRCh37 (hg19) VCF-style: chr16-2122376-G-A.
Other names: c.2220+12G>A (NM_001114382.3, NM_021055.3, NM_001370405.1 and 3 more transcripts); c.2109+12G>A (NM_001318827.2); c.1620+12G>A (NM_001318831.2); c.2073+12G>A (NM_001318829.2); c.2253+12G>A (NM_001318832.2).
Identifiers: ClinVar variation 392360 (VCV000392360.11), dbSNP rs780039835, ClinGen allele CA037208.
Genomic context (GRCh38, chr16:2,072,375, plus strand): 5'-TACTTCCCCTTGCAGTGTGGACCAGCTGTGCTCTGCTCTCTGCTCCATGGTACCATGGCC[G>A]GCCTGGGGTTGGGGTGGGGGACCCAGTAGGGTTTTTCCCCAAAAGACTGCGAGCCTCTGG-3'

ClinVar aggregate classification (germline): Likely benign. Review status: criteria provided, multiple submitters, no conflicts (2 of 4 stars). 4 submissions from 4 submitters: Likely benign (4). Last evaluated 2025-12-09.

Conditions:
Isolated focal cortical dysplasia type II (FCORD2). Also called: Focal cortical dysplasia type II; CORTICAL DYSPLASIA OF TAYLOR. Identifiers: Orphanet 268994, MedGen C1846385, MONDO:0011818, OMIM 607341, HP:0032051.
Lymphangiomyomatosis (LAM). Also called: Lymphangioleiomyomatosis, somatic; Lymphangioleiomyomatosis. Identifiers: Orphanet 538, MedGen C0751674, MONDO:0011705, OMIM 606690.
Tuberous sclerosis 2 (TSC2). Identifiers: Orphanet 805, MedGen C1860707, MONDO:0013199, OMIM 613254.

Allele frequency attached by ClinVar (database versions not stated): ExAC 0.00002; TOPMed 0.00006; gnomAD 0.00007.
gnomAD v4.1: 27 of 1,613,052 alleles (0.0017%); highest among the groups gnomAD compares: African/African-American, 0.012%; no homozygotes.

Submissions (4):

Labcorp Genetics (formerly Invitae), Labcorp
Classification: Likely benign for Tuberous sclerosis 2. Last evaluated: 2025-12-09. Review status: criteria provided, single submitter. Criteria: Invitae Variant Classification Sherloc (09022015). Collection method: clinical testing. Allele origin: germline.

Blueprint Genetics
Classification: Likely benign. Last evaluated: 2022-02-24. Review status: criteria provided, single submitter. Criteria: ACMG Guidelines, 2015. Collection method: clinical testing. Allele origin: germline.

Fulgent Genetics
Classification: Likely benign for Lymphangiomyomatosis; Isolated focal cortical dysplasia type II; Tuberous sclerosis 2. Last evaluated: 2022-02-01. Review status: criteria provided, single submitter. Criteria: ACMG Guidelines, 2015. Collection method: clinical testing. Allele origin: unknown.

GeneDx
Classification: Likely benign. Last evaluated: 2017-01-03. Review status: criteria provided, single submitter. Criteria: GeneDx Variant Classification (06012015). Collection method: clinical testing. Allele origin: germline. Affected: yes.
Comment: This variant is considered likely benign or benign based on one or more of the following criteria: it is a conservative change, it occurs at a poorly conserved position in the protein, it is predicted to be benign by multiple in silico algorithms, and/or has population frequency not consistent with disease.